The following is an entry in ClinVar:

ClinVar aggregate classification (germline): Uncertain significance (1 of 4 stars; one submission).

Conditions:
Familial episodic pain syndrome with predominantly lower limb involvement. Also called: Episodic pain syndrome, familial, 3. Identifiers: Orphanet 391384, Orphanet 391392, MedGen C3809899, MONDO:0014247, OMIM 615552.
Hereditary sensory and autonomic neuropathy type 7. Also called: Neuropathy, hereditary sensory and autonomic, type VII; HSAN VII. Identifiers: Orphanet 391397, MedGen C3809882, MONDO:0014244, OMIM 615548.

Allele frequency attached by ClinVar (database versions not stated): gnomAD 0.00001; gnomAD exomes 0.00001; ExAC 0.00002.
gnomAD v4.1: 4 of 1,611,564 alleles (0.00025%); highest among the groups gnomAD compares: Non-Finnish European, 0.00034%; no homozygotes.

Submission:

Labcorp Genetics (formerly Invitae), Labcorp
Classification: Uncertain significance for Familial episodic pain syndrome with predominantly lower limb involvement; Hereditary sensory and autonomic neuropathy type 7. Last evaluated: 2023-10-10. Review status: criteria provided, single submitter. Criteria: Invitae Variant Classification Sherloc (09022015). Collection method: clinical testing. Allele origin: germline.
Comment: This sequence change replaces glycine, which is neutral and non-polar, with arginine, which is basic and polar, at codon 1244 of the SCN11A protein (p.Gly1244Arg). This variant is present in population databases (rs771525253, gnomAD 0.002%). This variant has not been reported in the literature in individuals affected with SCN11A-related conditions. Advanced modeling of protein sequence and biophysical properties (such as structural, functional, and spatial information, amino acid conservation, physicochemical variation, residue mobility, and thermodynamic stability) performed at Invitae indicates that this missense variant is expected to disrupt SCN11A protein function. In summary, the available evidence is currently insufficient to determine the role of this variant in disease. Therefore, it has been classified as a Variant of Uncertain Significance.

NM_001349253.2(SCN11A):c.3730G>A (p.Gly1244Arg)

Genes: SCN11A (sodium voltage-gated channel alpha subunit 11; minus strand), LOC126806652 (CDK7 strongly-dependent group 2 enhancer GRCh37_chr3:38912374-38913573; plus strand). Cytogenetic location: 3p22.2.
Variant type: single nucleotide variant.
Coding change: c.3730G>A on transcript NM_001349253.2 (MANE Select); coding-DNA position 3730, G replaced by A.
Protein change: p.Gly1244Arg; replaces glycine 1244 with arginine.
Molecular consequence: missense variant.
Genome position (GRCh38, 1-based): chr3:38,871,474, C>T on the plus strand (G>A on the coding strand, the complement: SCN11A is on the minus strand). VCF-style: chr3-38871474-C-T. GRCh37 (hg19) VCF-style: chr3-38912965-C-T.
Other names: c.3730G>A, p.Gly1244Arg (NM_014139.3); short protein forms G1244R.
Identifiers: ClinVar variation 2925806 (VCV002925806.3), dbSNP rs771525253, ClinGen allele CA2321731.